The following is an entry in ClinVar:

NM_025244.4(TSGA10):c.1035G>A (p.Arg345=)

Gene: TSGA10 (testis specific 10; minus strand). Cytogenetic location: 2q11.2.
Variant type: single nucleotide variant.
Coding change: c.1035G>A on transcript NM_025244.4 (MANE Select); coding-DNA position 1035, G replaced by A.
Protein change: p.Arg345=; no amino-acid change (arginine 345 retained).
Molecular consequence: synonymous variant. On other transcripts: non-coding transcript variant (1).
Genome position (GRCh38, 1-based): chr2:99,071,778, C>T on the plus strand (G>A on the coding strand, the complement: TSGA10 is on the minus strand). VCF-style: chr2-99071778-C-T. GRCh37 (hg19) VCF-style: chr2-99688241-C-T.
Other names: c.1035G>A, p.Arg345= (NM_001349012.1, NM_182911.4); c.708G>A, p.Arg236= (NM_001349013.2, NM_001349014.1).
Identifiers: ClinVar variation 3029548 (VCV003029548.2), dbSNP rs771090858, ClinGen allele CA1796816.
Genomic context (GRCh38, chr2:99,071,778, plus strand): 5'-TTTAGCTTTAGCAAACTGTTCCTGGAGATTGTCATTGTCATGAGCCAAGATATCTCTTTC[C>T]CTGGCGATCTGGGCCAGCTCATCATTTGTCTCATCCAATTGCCGACGCATTCTGGAAACG-3'
Protein context (NP_079520.1, residues 335-355): ETNDELAQIA[Arg345=]ERDILAHDND

ClinVar aggregate classification (germline): Likely benign (0 of 4 stars; one submission).

Conditions:
TSGA10-related disorder. Also called: TSGA10-related condition.

Allele frequency attached by ClinVar (database versions not stated): ExAC 0.00001.

Submission:

PreventionGenetics, part of Exact Sciences
Classification: Likely benign for TSGA10-related condition. Last evaluated: 2021-06-22. Review status: no assertion criteria provided. Collection method: clinical testing. Allele origin: germline.
Comment: This variant is classified as likely benign based on ACMG/AMP sequence variant interpretation guidelines (Richards et al. 2015 PMID: 25741868, with internal and published modifications).